The following is an entry in ClinVar:

NM_004415.4(DSP):c.1352G>A (p.Arg451His)

Gene: DSP (desmoplakin; plus strand). Cytogenetic location: 6p24.3.
Variant type: single nucleotide variant.
Coding change: c.1352G>A on transcript NM_004415.4 (MANE Select); coding-DNA position 1352, G replaced by A.
Protein change: p.Arg451His; replaces arginine 451 with histidine.
Molecular consequence: missense variant.
Genome position (GRCh38, 1-based): chr6:7,568,522, G>A. VCF-style: chr6-7568522-G-A. GRCh37 (hg19) VCF-style: chr6-7568755-G-A.
Other names: c.1352G>A, p.Arg451His (NM_001008844.3, NM_001319034.2); c.1352G>A (NM_004415.3); short protein forms R451H.
Identifiers: ClinVar variation 188459 (VCV000188459.18), dbSNP rs786204294, ClinGen allele CA004905.

ClinVar aggregate classification (germline): Conflicting classifications of pathogenicity. Review status: criteria provided, conflicting classifications (1 of 4 stars). 4 submissions from 4 submitters: Likely pathogenic (2); Uncertain significance (2). Last evaluated 2026-10-09.

Conditions:
Cardiomyopathy (CMYO). Also called: Cardiomyopathies. Identifiers: Orphanet 167848, MedGen C0878544, MONDO:0004994, HP:0001638. Inheritance: Various modes of inheritance.
Arrhythmogenic right ventricular dysplasia 8 (ARVD8). Also called: Arrhythmogenic Right Ventricular Dysplasia/Cardiomyopathy 8; ARRHYTHMOGENIC RIGHT VENTRICULAR DYSPLASIA, FAMILIAL, 8; ARRHYTHMOGENIC RIGHT VENTRICULAR CARDIOMYOPATHY 8. Identifiers: MedGen C1843896, MONDO:0011831, OMIM 607450.
Arrhythmogenic cardiomyopathy with wooly hair and keratoderma. Also called: PALMOPLANTAR KERATODERMA WITH LEFT VENTRICULAR CARDIOMYOPATHY AND WOOLLY HAIR; Dilated cardiomyopathy with woolly hair and keratoderma; Arrhythmogenic cardiomyopathy with woolly hair and keratoderma; Carvajal syndrome. Identifiers: Orphanet 65282, MedGen C1854063, MONDO:0011581, OMIM 605676.

gnomAD v4.1: 1 of 1,614,078 alleles (0.000062%); no homozygotes.

Submissions (4):

GeneDx
Classification: Likely pathogenic. Last evaluated: 2026-10-09. Review status: criteria provided, single submitter. Criteria: GeneDx Variant Classification Process June 2021. Collection method: clinical testing. Allele origin: germline.
Comment: Not observed at significant frequency in large population cohorts (gnomAD); In silico analysis supports that this missense variant has a deleterious effect on protein structure/function; This variant is associated with the following publications: (PMID: 34352074, 31402444, 33460606, 36175056, 27532257)

Labcorp Genetics (formerly Invitae), Labcorp
Classification: Likely pathogenic for Arrhythmogenic cardiomyopathy with wooly hair and keratoderma; Arrhythmogenic right ventricular dysplasia 8. Last evaluated: 2025-03-20. Review status: criteria provided, single submitter. Criteria: Invitae Variant Classification Sherloc (09022015). Collection method: clinical testing. Allele origin: germline.
Comment: This sequence change replaces arginine, which is basic and polar, with histidine, which is basic and polar, at codon 451 of the DSP protein (p.Arg451His). This variant is not present in population databases (gnomAD no frequency). This missense change has been observed in individuals with clinical features of arrhythmogenic right ventricular cardiomyopathy (PMID: 27532257, 33460606; internal data). It has also been observed to segregate with disease in related individuals. ClinVar contains an entry for this variant (Variation ID: 188459). An algorithm developed to predict the effect of missense changes on protein structure and function (PolyPhen-2) suggests that this variant is likely to be disruptive. This variant disrupts the p.Arg451 amino acid residue in DSP. Other variant(s) that disrupt this residue have been determined to be pathogenic (PMID: 31194698). This suggests that this residue is clinically significant, and that variants that disrupt this residue are likely to be disease-causing. In summary, the currently available evidence indicates that the variant is pathogenic, but additional data are needed to prove that conclusively. Therefore, this variant has been classified as Likely Pathogenic.

All of Us Research Program, National Institutes of Health
Classification: Uncertain significance for Arrhythmogenic cardiomyopathy with wooly hair and keratoderma. Last evaluated: 2023-11-30. Review status: criteria provided, single submitter. Criteria: ACMG Guidelines, 2015. Collection method: clinical testing. Allele origin: germline. Inheritance: Autosomal dominant inheritance. Observed: 1 variant allele, 1 heterozygote.
Comment: This study involves interpretation of variants in research participants for the purpose of population health screening. Participant phenotype was not available at the time of variant classification. Additional details can be found in publication PMID: 35346344, PMCID: PMC8962531

CHEO Genetics Diagnostic Laboratory, Children's Hospital of Eastern Ontario
Classification: Uncertain significance for Cardiomyopathy. Last evaluated: 2022-02-24. Review status: criteria provided, single submitter. Criteria: ACMG Guidelines, 2015. Collection method: clinical testing. Allele origin: germline.

Literature cited by the submitters: PubMed 27532257 (cited by Labcorp Genetics (formerly Invitae), Labcorp); PubMed 33460606 (cited by Labcorp Genetics (formerly Invitae), Labcorp); PubMed 31194698 (cited by Labcorp Genetics (formerly Invitae), Labcorp).